The following is an entry in ClinVar:

NM_000222.3(KIT):c.2110A>G (p.Lys704Glu)

Gene: KIT (KIT proto-oncogene, receptor tyrosine kinase; plus strand). Cytogenetic location: 4q12.
Variant type: single nucleotide variant.
Coding change: c.2110A>G on transcript NM_000222.3 (MANE Select); coding-DNA position 2110, A replaced by G.
Protein change: p.Lys704Glu; replaces lysine 704 with glutamic acid.
Molecular consequence: missense variant.
Genome position (GRCh38, 1-based): chr4:54,729,454, A>G. VCF-style: chr4-54729454-A-G. GRCh37 (hg19) VCF-style: chr4-55595620-A-G.
Other names: c.2098A>G, p.Lys700Glu (NM_001093772.2, NM_001385286.1); c.2113A>G, p.Lys705Glu (NM_001385284.1, NM_001385290.1); c.2110A>G, p.Lys704Glu (NM_001385285.1); c.2101A>G, p.Lys701Glu (NM_001385288.1, NM_001385292.1); short protein forms K700E, K701E, K704E, K705E.
Identifiers: ClinVar variation 2817255 (VCV002817255.3), dbSNP rs1722448586, ClinGen allele CA356909786.
Genomic context (GRCh38, chr4:54,729,454, plus strand): 5'-AGAAAACGTGATTCATTTATTTGTTCAAAGCAGGAAGATCATGCAGAAGCTGCACTTTAT[A>G]AGAATCTTCTGCATTCAAAGGAGTCTTCCTGGTAAGACTGATTTACATAAATAGTTAGCT-3'
Protein context (NP_000213.1, residues 694-714): QEDHAEAALY[Lys704Glu]NLLHSKESSC

ClinVar aggregate classification (germline): Uncertain significance. Review status: criteria provided, multiple submitters, no conflicts (2 of 4 stars). 2 submissions from 2 submitters: Uncertain significance (2). Last evaluated 2025-09-17.

Conditions:
Hereditary cancer-predisposing syndrome. Also called: Neoplastic Syndromes, Hereditary; Tumor predisposition; Hereditary Cancer Syndrome; Hereditary neoplastic syndrome. Identifiers: Orphanet 140162, MedGen C0027672, MeSH D009386, MONDO:0015356.
Gastrointestinal stromal tumor. Also called: Gastrointestinal stromal tumor, somatic; Gastrointestinal stroma tumor. Identifiers: Orphanet 44890, MedGen C0238198, MeSH D046152, MONDO:0011719, OMIM 606764, HP:0100723.

Allele frequency attached by ClinVar (database versions not stated): gnomAD exomes 0.00001.
gnomAD v4.1: 10 of 1,613,636 alleles (0.00062%); highest among the groups gnomAD compares: Admixed American, 0.0017%; no homozygotes.

Submissions (2):

Ambry Genetics
Classification: Uncertain significance for Hereditary cancer-predisposing syndrome. Last evaluated: 2025-09-17. Review status: criteria provided, single submitter. Criteria: Ambry Variant Classification Scheme 2023. Collection method: clinical testing. Allele origin: germline.
Comment: The p.K704E variant (also known as c.2110A>G), located in coding exon 14 of the KIT gene, results from an A to G substitution at nucleotide position 2110. The lysine at codon 704 is replaced by glutamic acid, an amino acid with similar properties. This amino acid position is well conserved in available vertebrate species. In addition, this alteration is predicted to be tolerated by in silico analysis. Based on the available evidence, the clinical significance of this variant remains unclear.

Labcorp Genetics (formerly Invitae), Labcorp
Classification: Uncertain significance for Gastrointestinal stromal tumor. Last evaluated: 2024-05-21. Review status: criteria provided, single submitter. Criteria: Invitae Variant Classification Sherloc (09022015). Collection method: clinical testing. Allele origin: germline.
Comment: This sequence change replaces lysine, which is basic and polar, with glutamic acid, which is acidic and polar, at codon 704 of the KIT protein (p.Lys704Glu). This variant is not present in population databases (gnomAD no frequency). This variant has not been reported in the literature in individuals affected with KIT-related conditions. An algorithm developed to predict the effect of missense changes on protein structure and function (PolyPhen-2) suggests that this variant is likely to be tolerated. In summary, the available evidence is currently insufficient to determine the role of this variant in disease. Therefore, it has been classified as a Variant of Uncertain Significance.